The following is an entry in ClinVar:

ClinVar aggregate classification (germline): Uncertain significance (1 of 4 stars; one submission).

Allele frequency attached by ClinVar (database versions not stated): gnomAD exomes below 0.00001.
gnomAD v4.1: 3 of 1,611,686 alleles (0.00019%); highest among the groups gnomAD compares: Non-Finnish European, 0.00025%; no homozygotes.

Submission:

Labcorp Genetics (formerly Invitae), Labcorp
Classification: Uncertain significance. Last evaluated: 2023-09-29. Review status: criteria provided, single submitter. Criteria: Invitae Variant Classification Sherloc (09022015). Collection method: clinical testing. Allele origin: germline.
Comment: In summary, the available evidence is currently insufficient to determine the role of this variant in disease. Therefore, it has been classified as a Variant of Uncertain Significance. Experimental studies and prediction algorithms are not available or were not evaluated, and the functional significance of this variant is currently unknown. This variant has not been reported in the literature in individuals affected with GABRA2-related conditions. This variant is not present in population databases (gnomAD no frequency). This sequence change replaces isoleucine, which is neutral and non-polar, with methionine, which is neutral and non-polar, at codon 483 of the GABRA2 protein (p.Ile483Met).

NM_000807.4(GABRA2):c.1269A>G (p.Ile423Met)

Gene: GABRA2 (gamma-aminobutyric acid type A receptor subunit alpha2; minus strand). Cytogenetic location: 4p12.
Variant type: single nucleotide variant.
Coding change: c.1269A>G on transcript NM_000807.4 (MANE Select); coding-DNA position 1269, A replaced by G.
Protein change: p.Ile423Met; replaces isoleucine 423 with methionine.
Molecular consequence: missense variant.
Genome position (GRCh38, 1-based): chr4:46,250,395, T>C on the plus strand (A>G on the coding strand, the complement: GABRA2 is on the minus strand). VCF-style: chr4-46250395-T-C. GRCh37 (hg19) VCF-style: chr4-46252412-T-C.
Other names: c.1269A>G, p.Ile423Met (NM_001114175.3, NM_001377146.1, NM_001377147.1 and 4 more transcripts); c.1284A>G, p.Ile428Met (NM_001286827.3); c.1449A>G, p.Ile483Met (NM_001330690.2, NM_001377144.1, NM_001377145.1); c.1104A>G, p.Ile368Met (NM_001377152.1, NM_001377153.1, NM_001377154.1); short protein forms I423M, I428M, I368M, I483M.
Identifiers: ClinVar variation 2764264 (VCV002764264.3), dbSNP rs2475197653, ClinGen allele CA356802281.